The following is an entry in ClinVar:

ClinVar aggregate classification (germline): Uncertain significance (1 of 4 stars; one submission).

Submission:

Labcorp Genetics (formerly Invitae), Labcorp
Classification: Uncertain significance. Last evaluated: 2024-01-21. Review status: criteria provided, single submitter. Criteria: Invitae Variant Classification Sherloc (09022015). Collection method: clinical testing. Allele origin: germline.
Comment: This sequence change replaces proline, which is neutral and non-polar, with leucine, which is neutral and non-polar, at codon 1083 of the CDK13 protein (p.Pro1083Leu). This variant is not present in population databases (gnomAD no frequency). This variant has not been reported in the literature in individuals affected with CDK13-related conditions. Advanced modeling of protein sequence and biophysical properties (such as structural, functional, and spatial information, amino acid conservation, physicochemical variation, residue mobility, and thermodynamic stability) performed at Invitae indicates that this missense variant is not expected to disrupt CDK13 protein function with a negative predictive value of 95%. In summary, the available evidence is currently insufficient to determine the role of this variant in disease. Therefore, it has been classified as a Variant of Uncertain Significance.

NM_003718.5(CDK13):c.3248C>T (p.Pro1083Leu)

Gene: CDK13 (cyclin dependent kinase 13; plus strand). Cytogenetic location: 7p14.1.
Variant type: single nucleotide variant.
Coding change: c.3248C>T on transcript NM_003718.5 (MANE Select); coding-DNA position 3248, C replaced by T.
Protein change: p.Pro1083Leu; replaces proline 1083 with leucine.
Molecular consequence: missense variant. On other transcripts: intron variant (1).
Genome position (GRCh38, 1-based): chr7:40,092,797, C>T. VCF-style: chr7-40092797-C-T. GRCh37 (hg19) VCF-style: chr7-40132396-C-T.
Other names: c.3236-168C>T (NM_031267.3); short protein forms P1083L.
Identifiers: ClinVar variation 2710553 (VCV002710553.3), dbSNP rs375191394, ClinGen allele CA367294255.